The following is an entry in ClinVar:

NM_000138.5(FBN1):c.4905C>G (p.Thr1635=)

Gene: FBN1 (fibrillin 1; minus strand). Cytogenetic location: 15q21.1.
Variant type: single nucleotide variant.
Coding change: c.4905C>G on transcript NM_000138.5 (MANE Select); coding-DNA position 4905, C replaced by G.
Protein change: p.Thr1635=; no amino-acid change (threonine 1635 retained).
Molecular consequence: synonymous variant.
Genome position (GRCh38, 1-based): chr15:48,465,605, G>C on the plus strand (C>G on the coding strand, the complement: FBN1 is on the minus strand). VCF-style: chr15-48465605-G-C. GRCh37 (hg19) VCF-style: chr15-48757802-G-C.
Other names: p.T1635T:ACC>ACG; p.Thr1635=.
Identifiers: ClinVar variation 36084 (VCV000036084.79), dbSNP rs113115949, ClinGen allele CA015458.

ClinVar aggregate classification (germline): Benign/Likely benign. Review status: criteria provided, multiple submitters, no conflicts (2 of 4 stars). 29 submissions from 23 submitters: Benign (19); Likely benign (6). 4 of the submissions do not count toward it. Last evaluated 2026-09-01.

Conditions:
Connective tissue disorder. Also called: Connective tissue disease. Identifiers: MedGen C0009782, MONDO:0003900.
Weill-Marchesani syndrome. Also called: WM Syndrome; Mesodermal dysmorphodystrophy congenital. Identifiers: Orphanet 3449, MedGen C0265313, MONDO:0018096.
Geleophysic dysplasia. Identifiers: Orphanet 2623, MedGen C3489726, MONDO:0000127.
Familial thoracic aortic aneurysm and aortic dissection (TAAD). Also called: Thoracic aortic aneurysms and dissections. Identifiers: Orphanet 91387, MedGen C4707243, MONDO:0019625.
Marfan syndrome (MFS). Also called: Marfan syndrome, classic; FBN1-Related Marfan Syndrome; Marfan syndrome type 1; Marfan's syndrome; MARFAN SYNDROME, TYPE I. Identifiers: Orphanet 284963, Orphanet 558, MedGen C0024796, MONDO:0007947, OMIM 154700.
Acromicric dysplasia (ACMICD). Also called: Acromicric skeletal dysplasia. Identifiers: Orphanet 969, MedGen C0265287, MONDO:0007055, OMIM 102370.
Stiff skin syndrome (SSKS). Identifiers: Orphanet 2833, MedGen C1861456, MONDO:0008492, OMIM 184900.
Ectopia lentis 1, isolated, autosomal dominant (ECTOL1). Identifiers: Orphanet 1885, MedGen C3541518, MONDO:0007514, OMIM 129600.

Allele frequency attached by ClinVar (database versions not stated): 1000 Genomes Project 30x 0.00187; 1000 Genomes Project 0.00200; ExAC 0.00290; ESP Exome Variant Server 0.00531; gnomAD 0.00423 and 0.00435; TOPMed 0.00425.
gnomAD v4.1: 10,266 of 1,614,026 alleles (0.64%); highest among the groups gnomAD compares: Non-Finnish European, 0.78%; 41 homozygotes.

Submissions (29):

CeGaT Center for Human Genetics Tuebingen
Classification: Benign. Last evaluated: 2026-09-01. Review status: criteria provided, single submitter. Criteria: CeGaT Center For Human Genetics Tuebingen Variant Classification Criteria Version 2. Collection method: clinical testing. Allele origin: germline. Affected: yes. Observed: 52 variant alleles.
Comment: FBN1: BP4, BP7, BS1, BS2

Labcorp Genetics (formerly Invitae), Labcorp
Classification: Benign for Marfan syndrome; Familial thoracic aortic aneurysm and aortic dissection. Last evaluated: 2026-02-03. Review status: criteria provided, single submitter. Criteria: Invitae Variant Classification Sherloc (09022015). Collection method: clinical testing. Allele origin: germline.

ARUP Laboratories, Molecular Genetics and Genomics, ARUP Laboratories
Classification: Benign. Last evaluated: 2025-07-29. Review status: criteria provided, single submitter. Criteria: ARUP Molecular Germline Variant Investigation Process 2024. Collection method: clinical testing. Allele origin: germline.

Molecular Diagnostic Laboratory for Inherited Cardiovascular Disease, Montreal Heart Institute
Classification: Benign. Last evaluated: 2025-04-09. Review status: criteria provided, single submitter. Criteria: ACMG Guidelines, 2015. Collection method: clinical testing. Allele origin: germline. Affected: no.

Blueprint Genetics
Classification: Likely benign. Last evaluated: 2024-11-25. Review status: criteria provided, single submitter. Criteria: ACMG Guidelines, 2015. Collection method: clinical testing. Allele origin: germline.

Cohesion Phenomics
Classification: Likely benign for Marfan syndrome. Last evaluated: 2022-09-23. Review status: criteria provided, single submitter. Criteria: ACMG Guidelines, 2015. Collection method: clinical testing. Allele origin: germline. Affected: yes.

Genome Diagnostics Laboratory, The Hospital for Sick Children
Classification: Benign for Connective tissue disorder. Last evaluated: 2021-12-20. Review status: criteria provided, single submitter. Criteria: ACMG Guidelines, 2015. Collection method: clinical testing. Allele origin: germline.

Center for Human Genetics, Inc
Classification: Likely benign for Marfan syndrome. Last evaluated: 2018-06-01. Review status: criteria provided, single submitter. Criteria: ACMG Guidelines, 2015. Collection method: clinical testing. Allele origin: germline. Affected: yes.

Color Diagnostics, LLC DBA Color Health
Classification: Benign for Familial thoracic aortic aneurysm and aortic dissection. Last evaluated: 2018-03-08. Review status: criteria provided, single submitter. Criteria: ACMG Guidelines, 2015. Collection method: clinical testing. Allele origin: germline.

Illumina Laboratory Services, Illumina
Classification: Likely benign for Familial thoracic aortic aneurysm and aortic dissection. Last evaluated: 2018-01-13. Review status: criteria provided, single submitter. Criteria: ICSL Variant Classification Criteria 13 December 2019. Collection method: clinical testing. Allele origin: germline.
Comment: This variant was observed in the ICSL laboratory as part of a predisposition screen in an ostensibly healthy population. It had not been previously curated by ICSL or reported in the Human Gene Mutation Database (HGMD: prior to June 1st, 2018), and was therefore a candidate for classification through an automated scoring system. Utilizing variant allele frequency, disease prevalence and penetrance estimates, and inheritance mode, an automated score was calculated to assess if this variant is too frequent to cause the disease. Based on the score and internal cut-off values, a variant classified as likely benign is not then subjected to further curation. The score for this variant resulted in a classification of likely benign for this disease.

Illumina Laboratory Services, Illumina
Classification: Benign for Geleophysic dysplasia. Last evaluated: 2018-01-13. Review status: criteria provided, single submitter. Criteria: ICSL Variant Classification Criteria 13 December 2019. Collection method: clinical testing. Allele origin: germline.
Comment: This variant was observed in the ICSL laboratory as part of a predisposition screen in an ostensibly healthy population. It had not been previously curated by ICSL or reported in the Human Gene Mutation Database (HGMD: prior to June 1st, 2018), and was therefore a candidate for classification through an automated scoring system. Utilizing variant allele frequency, disease prevalence and penetrance estimates, and inheritance mode, an automated score was calculated to assess if this variant is too frequent to cause the disease. Based on the score and internal cut-off values, a variant classified as benign is not then subjected to further curation. The score for this variant resulted in a classification of benign for this disease.

Illumina Laboratory Services, Illumina
Classification: Benign for Ectopia lentis 1, isolated, autosomal dominant. Last evaluated: 2018-01-13. Review status: criteria provided, single submitter. Criteria: ICSL Variant Classification Criteria 13 December 2019. Collection method: clinical testing. Allele origin: germline.
Comment: the same text as in the submission from Illumina Laboratory Services, Illumina above.

Illumina Laboratory Services, Illumina
Classification: Benign for Marfan syndrome. Last evaluated: 2018-01-13. Review status: criteria provided, single submitter. Criteria: ICSL Variant Classification Criteria 13 December 2019. Collection method: clinical testing. Allele origin: germline.
Comment: the same text as in the submission from Illumina Laboratory Services, Illumina above.

Illumina Laboratory Services, Illumina
Classification: Benign for Stiff skin syndrome. Last evaluated: 2018-01-13. Review status: criteria provided, single submitter. Criteria: ICSL Variant Classification Criteria 13 December 2019. Collection method: clinical testing. Allele origin: germline.
Comment: the same text as in the submission from Illumina Laboratory Services, Illumina above.

Illumina Laboratory Services, Illumina
Classification: Benign for Weill-Marchesani syndrome. Last evaluated: 2018-01-13. Review status: criteria provided, single submitter. Criteria: ICSL Variant Classification Criteria 13 December 2019. Collection method: clinical testing. Allele origin: germline.
Comment: the same text as in the submission from Illumina Laboratory Services, Illumina above.

Illumina Laboratory Services, Illumina
Classification: Benign for Acromicric dysplasia. Last evaluated: 2018-01-13. Review status: criteria provided, single submitter. Criteria: ICSL Variant Classification Criteria 13 December 2019. Collection method: clinical testing. Allele origin: germline.
Comment: the same text as in the submission from Illumina Laboratory Services, Illumina above.

Eurofins Ntd Llc (ga)
Classification: Benign. Last evaluated: 2016-07-12. Review status: criteria provided, single submitter. Criteria: EGL Classification Definitions 2015. Collection method: clinical testing. Allele origin: germline. Observed: 1 variant allele, 1 heterozygote.

Mayo Clinic Laboratories, Mayo Clinic
Classification: Benign. Last evaluated: 2016-03-03. Review status: criteria provided, single submitter. Criteria: ACMG Guidelines, 2015. Collection method: clinical testing. Allele origin: germline. Observed: 23 variant alleles.

CHEO Genetics Diagnostic Laboratory, Children's Hospital of Eastern Ontario
Classification: Benign for Familial thoracic aortic aneurysm and aortic dissection. Last evaluated: 2016-02-24. Review status: criteria provided, single submitter. Criteria: ACMG Guidelines, 2015. Collection method: clinical testing. Allele origin: germline. Study: Canadian Open Genetics Repository.

Genomic Diagnostic Laboratory, Division of Genomic Diagnostics, Children's Hospital of Philadelphia
Classification: Benign for Marfan's syndrome. Last evaluated: 2015-08-24. Review status: criteria provided, single submitter. Criteria: DGD Variant Analysis Guidelines. Collection method: clinical testing. Allele origin: unknown.

Ambry Genetics
Classification: Likely benign for Familial thoracic aortic aneurysm and aortic dissection. Last evaluated: 2014-08-26. Review status: criteria provided, single submitter. Criteria: Ambry Variant Classification Scheme 2023. Collection method: clinical testing. Allele origin: germline.

GeneDx
Classification: Benign. Last evaluated: 2013-06-22. Review status: criteria provided, single submitter. Criteria: GeneDx Variant Classification (06012015). Collection method: clinical testing. Allele origin: germline. Affected: yes.
Comment: This variant is considered likely benign or benign based on one or more of the following criteria: it is a conservative change, it occurs at a poorly conserved position in the protein, it is predicted to be benign by multiple in silico algorithms, and/or has population frequency not consistent with disease.

Laboratory for Molecular Medicine, Mass General Brigham Personalized Medicine
Classification: Benign. Last evaluated: 2007-11-07. Review status: criteria provided, single submitter. Criteria: LMM Criteria. Collection method: clinical testing. Allele origin: germline. Observed: 16 variant alleles.

Breakthrough Genomics
Classification: Likely benign. Review status: criteria provided, single submitter. Criteria: ACMG Guidelines, 2015. Collection method: not provided. Allele origin: germline. Inheritance: Autosomal dominant inheritance. Affected: yes.

PreventionGenetics, part of Exact Sciences
Classification: Benign. Review status: criteria provided, single submitter. Criteria: ACMG Guidelines, 2015. Collection method: clinical testing. Allele origin: germline.

Women's Health and Genetics/Laboratory Corporation of America, LabCorp
Classification: Benign for Marfan's syndrome. Last evaluated: 2012-02-03. Review status: no assertion criteria provided. Collection method: clinical testing. Allele origin: germline. Not counted in ClinVar's aggregate classification.

Clinical Genetics DNA and cytogenetics Diagnostics Lab, Erasmus MC, Erasmus Medical Center
Classification: Likely benign. Review status: no assertion criteria provided. Collection method: clinical testing. Allele origin: germline. Affected: yes. Study: VKGL Data-share Consensus. Not counted in ClinVar's aggregate classification.

Genome Diagnostics Laboratory, Amsterdam University Medical Center
Classification: Benign. Review status: no assertion criteria provided. Collection method: clinical testing. Allele origin: germline. Affected: yes. Study: VKGL Data-share Consensus. Not counted in ClinVar's aggregate classification.

Joint Genome Diagnostic Labs from Nijmegen and Maastricht, Radboudumc and MUMC+
Classification: Likely benign. Review status: no assertion criteria provided. Collection method: clinical testing. Allele origin: germline. Affected: yes. Study: VKGL Data-share Consensus. Not counted in ClinVar's aggregate classification.